The following is an entry in ClinVar:

ClinVar aggregate classification (germline): Uncertain significance (1 of 4 stars; one submission).

Conditions:
Short-rib thoracic dysplasia 13 with or without polydactyly (SRTD13). Identifiers: Orphanet 474, MedGen C4225378, MONDO:0014577, OMIM 616300.

Allele frequency attached by ClinVar (database versions not stated): gnomAD exomes below 0.00001; gnomAD 0.00001; TOPMed 0.00001.
gnomAD v4.1: 8 of 1,613,870 alleles (0.0005%); highest among the groups gnomAD compares: South Asian, 0.0011%; no homozygotes.

Submission:

Labcorp Genetics (formerly Invitae), Labcorp
Classification: Uncertain significance for Short-rib thoracic dysplasia 13 with or without polydactyly. Last evaluated: 2024-03-11. Review status: criteria provided, single submitter. Criteria: Invitae Variant Classification Sherloc (09022015). Collection method: clinical testing. Allele origin: germline.
Comment: This sequence change replaces valine, which is neutral and non-polar, with isoleucine, which is neutral and non-polar, at codon 85 of the CEP120 protein (p.Val85Ile). This variant is present in population databases (no rsID available, gnomAD 0.002%). This variant has not been reported in the literature in individuals affected with CEP120-related conditions. ClinVar contains an entry for this variant (Variation ID: 939659). Advanced modeling of protein sequence and biophysical properties (such as structural, functional, and spatial information, amino acid conservation, physicochemical variation, residue mobility, and thermodynamic stability) performed at Invitae indicates that this missense variant is not expected to disrupt CEP120 protein function with a negative predictive value of 80%. In summary, the available evidence is currently insufficient to determine the role of this variant in disease. Therefore, it has been classified as a Variant of Uncertain Significance.

NM_001375405.1(CEP120):c.253G>A (p.Val85Ile)

Gene: CEP120 (centrosomal protein 120; minus strand). Cytogenetic location: 5q23.2.
Variant type: single nucleotide variant.
Coding change: c.253G>A on transcript NM_001375405.1 (MANE Select); coding-DNA position 253, G replaced by A.
Protein change: p.Val85Ile; replaces valine 85 with isoleucine.
Molecular consequence: missense variant. On other transcripts: 5 prime UTR variant (2), non-coding transcript variant (1).
Genome position (GRCh38, 1-based): chr5:123,416,078, C>T on the plus strand (G>A on the coding strand, the complement: CEP120 is on the minus strand). VCF-style: chr5-123416078-C-T. GRCh37 (hg19) VCF-style: chr5-122751772-C-T.
Other names: c.175G>A, p.Val59Ile (NM_001166226.2); c.253G>A, p.Val85Ile (NM_001375406.1, NM_001375407.1, NM_153223.4); c.-496G>A (NM_001375408.1); c.-438G>A (NM_001375409.1); short protein forms V59I, V85I.
Identifiers: ClinVar variation 939659 (VCV000939659.9), dbSNP rs1255595388, ClinGen allele CA360896325.